The following is an entry in ClinVar:

NM_001367624.2(ZNF469):c.9079C>T (p.Arg3027Cys)

Gene: ZNF469 (zinc finger protein 469; plus strand). Cytogenetic location: 16q24.2.
Variant type: single nucleotide variant.
Coding change: c.9079C>T on transcript NM_001367624.2 (MANE Select); coding-DNA position 9079, C replaced by T.
Protein change: p.Arg3027Cys; replaces arginine 3027 with cysteine.
Molecular consequence: missense variant.
Genome position (GRCh38, 1-based): chr16:88,436,549, C>T. VCF-style: chr16-88436549-C-T. GRCh37 (hg19) VCF-style: chr16-88502957-C-T.
Other names: NM_001127464.1:c.8995C>T; short protein forms R3027C.
Identifiers: ClinVar variation 373540 (VCV000373540.13), dbSNP rs376513000, ClinGen allele CA8225405.

ClinVar aggregate classification (germline): Conflicting classifications of pathogenicity. Review status: criteria provided, conflicting classifications (1 of 4 stars). 5 submissions from 5 submitters: Uncertain significance (4); Likely benign (1). Last evaluated 2026-01-01.

Conditions:
Cardiovascular phenotype. Identifiers: MedGen CN230736.
Brittle cornea syndrome 1 (BCS1). Also called: DYSGENESIS MESODERMALIS CORNEAE ET SCLERAE; CORNEAL FRAGILITY, KERATOGLOBUS, BLUE SCLERAE, JOINT HYPEREXTENSIBILITY; EDS6B; FRAGILITAS OCULI WITH JOINT HYPEREXTENSIBILITY; Corneal fragility keratoglobus, blue sclerae AND joint hypermobility. Identifiers: Orphanet 90354, MedGen C0268344, MONDO:0024543, OMIM 229200.

Allele frequency attached by ClinVar (database versions not stated): gnomAD exomes 0.00004 and 0.00009; ExAC 0.00023; 1000 Genomes Project 30x 0.00031; ESP Exome Variant Server 0.00044; gnomAD 0.00049 and 0.00052; TOPMed 0.00058.
gnomAD v4.1: 137 of 1,549,702 alleles (0.0088%); highest among the groups gnomAD compares: African/African-American, 0.14%; 1 homozygote.

Submissions (5):

Labcorp Genetics (formerly Invitae), Labcorp
Classification: Uncertain significance. Last evaluated: 2026-01-01. Review status: criteria provided, single submitter. Criteria: Invitae Variant Classification Sherloc (09022015). Collection method: clinical testing. Allele origin: germline.
Comment: This sequence change replaces arginine, which is basic and polar, with cysteine, which is neutral and slightly polar, at codon 2999 of the ZNF469 protein (p.Arg2999Cys). This variant is present in population databases (rs376513000, gnomAD 0.1%). This variant has not been reported in the literature in individuals affected with ZNF469-related conditions. ClinVar contains an entry for this variant (Variation ID: 373540). An algorithm developed to predict the effect of missense changes on protein structure and function outputs the following: PolyPhen-2: "Benign". The cysteine amino acid residue is found in multiple mammalian species, which suggests that this missense change does not adversely affect protein function. In summary, the available evidence is currently insufficient to determine the role of this variant in disease. Therefore, it has been classified as a Variant of Uncertain Significance.

Women's Health and Genetics/Laboratory Corporation of America, LabCorp
Classification: Uncertain significance. Last evaluated: 2025-10-30. Review status: criteria provided, single submitter. Criteria: LabCorp Variant Classification Summary - May 2015. Collection method: clinical testing. Allele origin: germline.
Comment: Variant summary: ZNF469 c.9079C>T (p.Arg3027Cys) results in a non-conservative amino acid change in the encoded protein sequence. Algorithms developed to predict the effect of missense changes on protein structure and function are either unavailable or do not agree on the potential impact of this missense change. The variant allele was found at a frequency of 9.2e-05 in 152488 control chromosomes. This frequency is not significantly higher than estimated for disease-causing variants in ZNF469, allowing no conclusion about variant significance. c.9079C>T has been observed in an individual affected with keratoconus (Fransen_2021). This report does not provide unequivocal conclusions about association of the variant with Brittle cornea syndrome 1. To our knowledge, no experimental evidence demonstrating an impact on protein function has been reported. The following publication has been ascertained in the context of this evaluation (PMID: 33737726). ClinVar contains an entry for this variant (Variation ID: 373540). Based on the evidence outlined above, the variant was classified as uncertain significance.

Ambry Genetics
Classification: Likely benign for Cardiovascular phenotype. Last evaluated: 2025-01-03. Review status: criteria provided, single submitter. Criteria: Ambry Variant Classification Scheme 2023. Collection method: clinical testing. Allele origin: germline.

Fulgent Genetics
Classification: Uncertain significance for Brittle cornea syndrome 1. Last evaluated: 2021-08-13. Review status: criteria provided, single submitter. Criteria: ACMG Guidelines, 2015. Collection method: clinical testing. Allele origin: unknown.

GeneDx
Classification: Uncertain significance. Last evaluated: 2021-05-14. Review status: criteria provided, single submitter. Criteria: GeneDx Variant Classification Process June 2021. Collection method: clinical testing. Allele origin: germline. Affected: yes.
Comment: In silico analysis supports that this missense variant does not alter protein structure/function; Has not been previously published as pathogenic or benign to our knowledge

Literature cited by the submitters: PubMed 33737726 (cited by Women's Health and Genetics/Laboratory Corporation of America, LabCorp).